The following is an entry in ClinVar:

NM_023110.3(FGFR1):c.817G>A (p.Val273Met)

Gene: FGFR1 (fibroblast growth factor receptor 1; minus strand). Cytogenetic location: 8p11.23.
Variant type: single nucleotide variant.
Coding change: c.817G>A on transcript NM_023110.3 (MANE Select); coding-DNA position 817, G replaced by A.
Protein change: p.Val273Met; replaces valine 273 with methionine.
Molecular consequence: missense variant.
Genome position (GRCh38, 1-based): chr8:38,424,628, C>T on the plus strand (G>A on the coding strand, the complement: FGFR1 is on the minus strand). VCF-style: chr8-38424628-C-T. GRCh37 (hg19) VCF-style: chr8-38282146-C-T.
Other names: c.817G>A, p.Val273Met (NM_001174063.2); c.793G>A, p.Val265Met (NM_001174064.2); c.811G>A, p.Val271Met (NM_001174065.2, NM_001354367.2, NM_001354369.2 and 1 more transcripts); c.550G>A, p.Val184Met (NM_001174066.2, NM_023105.3); c.910G>A, p.Val304Met (NM_001174067.2); c.544G>A, p.Val182Met (NM_001354368.2, NM_001354370.2, NM_023106.3); short protein forms V273M, V184M, V265M, V304M, V182M, V271M.
Identifiers: ClinVar variation 430370 (VCV000430370.10), dbSNP rs1131691929, ClinGen allele CA370735039.

ClinVar aggregate classification (germline): Conflicting classifications of pathogenicity. Review status: criteria provided, conflicting classifications (1 of 4 stars). 3 submissions from 3 submitters: Pathogenic (2); Uncertain significance (1). Last evaluated 2026-08-28.

Conditions:
Pfeiffer syndrome (ACS5). Also called: ACS V. Identifiers: Orphanet 710, MedGen C0220658, MONDO:0007043, OMIM 101600.
Hypogonadotropic hypogonadism 2 with or without anosmia (HH2). Also called: FGFR1-Related GnRH Deficiency (Kallmann Syndrome 2); HYPOGONADOTROPIC HYPOGONADISM 2 WITHOUT ANOSMIA; HYPOGONADOTROPIC HYPOGONADISM 2 WITH OR WITHOUT ANOSMIA, SUSCEPTIBILITY TO; HYPOGONADOTROPIC HYPOGONADISM 2 WITHOUT ANOSMIA, SUSCEPTIBILITY TO. Identifiers: Orphanet 478, MedGen C1563720, MONDO:0007844, OMIM 147950. Disease mechanism: loss of function.

Submissions (3):

GeneDx
Classification: Pathogenic. Last evaluated: 2026-08-28. Review status: criteria provided, single submitter. Criteria: GeneDx Variant Classification Process June 2021. Collection method: clinical testing. Allele origin: germline.
Comment: Not observed at significant frequency in large population cohorts (gnomAD); In silico analysis supports that this missense variant has a deleterious effect on protein structure/function; This variant is associated with the following publications: (PMID: 27699475, 23329143, 23643382, 15605412, 16764984, 18160472, 19707180, 17624596, 18034870, 37980453, 33354214, 33548149, 37805574, 38227553, 41042998)

Labcorp Genetics (formerly Invitae), Labcorp
Classification: Pathogenic for Pfeiffer syndrome; Hypogonadotropic hypogonadism 2 with or without anosmia. Last evaluated: 2024-03-01. Review status: criteria provided, single submitter. Criteria: Invitae Variant Classification Sherloc (09022015). Collection method: clinical testing. Allele origin: germline.
Comment: This sequence change replaces valine, which is neutral and non-polar, with methionine, which is neutral and non-polar, at codon 273 of the FGFR1 protein (p.Val273Met). This variant is not present in population databases (gnomAD no frequency). This missense change has been observed in individual(s) with autosomal dominant Kallmann syndrome (PMID: 15605412, 16764984; Invitae). In at least one individual the variant was observed to be de novo. ClinVar contains an entry for this variant (Variation ID: 430370). Advanced modeling of protein sequence and biophysical properties (such as structural, functional, and spatial information, amino acid conservation, physicochemical variation, residue mobility, and thermodynamic stability) has been performed at Invitae for this missense variant, however the output from this modeling did not meet the statistical confidence thresholds required to predict the impact of this variant on FGFR1 protein function. For these reasons, this variant has been classified as Pathogenic.

Reproductive Endocrine Unit, Massachusetts General Hospital
Classification: Uncertain significance for Hypogonadotropic hypogonadism 2 with or without anosmia. Last evaluated: 2023-05-04. Review status: criteria provided, single submitter. Criteria: ACMG Guidelines, 2015. Collection method: research. Allele origin: inherited. Affected: yes. Observed: 1 variant allele.
Comment: The variant has been classified as VUS based on the variant meeting the following ACMG Criteria: PM2,PP3,PP1,PP4.

Literature cited by the submitters: PubMed 15605412 (cited by Labcorp Genetics (formerly Invitae), Labcorp); PubMed 16764984 (cited by Labcorp Genetics (formerly Invitae), Labcorp).